The following is an entry in ClinVar:

NM_001903.5(CTNNA1):c.824G>A (p.Gly275Glu)

Gene: CTNNA1 (catenin alpha 1; plus strand). Cytogenetic location: 5q31.2.
Variant type: single nucleotide variant.
Coding change: c.824G>A on transcript NM_001903.5 (MANE Select); coding-DNA position 824, G replaced by A.
Protein change: p.Gly275Glu; replaces glycine 275 with glutamic acid.
Molecular consequence: missense variant.
Genome position (GRCh38, 1-based): chr5:138,824,765, G>A. VCF-style: chr5-138824765-G-A. GRCh37 (hg19) VCF-style: chr5-138160454-G-A.
Other names: c.824G>A, p.Gly275Glu (NM_001290307.3, NM_001323982.2, NM_001323983.1 and 3 more transcripts); c.515G>A, p.Gly172Glu (NM_001290309.3); c.455G>A, p.Gly152Glu (NM_001290310.3); c.824G>A (NM_001903.2); short protein forms G172E, G152E, G275E.
Identifiers: ClinVar variation 1435581 (VCV001435581.7), dbSNP rs781432848, ClinGen allele CA3431566.

ClinVar aggregate classification (germline): Uncertain significance. Review status: criteria provided, multiple submitters, no conflicts (2 of 4 stars). 2 submissions from 2 submitters: Uncertain significance (2). Last evaluated 2026-02-27.

Conditions:
Hereditary cancer-predisposing syndrome. Also called: Neoplastic Syndromes, Hereditary; Tumor predisposition; Hereditary Cancer Syndrome; Hereditary neoplastic syndrome. Identifiers: Orphanet 140162, MedGen C0027672, MeSH D009386, MONDO:0015356.

Allele frequency attached by ClinVar (database versions not stated): ExAC 0.00001; gnomAD exomes 0.00001.

Submissions (2):

Ambry Genetics
Classification: Uncertain significance for Hereditary cancer-predisposing syndrome. Last evaluated: 2026-02-27. Review status: criteria provided, single submitter. Criteria: Ambry Variant Classification Scheme 2023. Collection method: clinical testing. Allele origin: germline.
Comment: The p.G275E variant (also known as c.824G>A), located in coding exon 5 of the CTNNA1 gene, results from a G to A substitution at nucleotide position 824. The glycine at codon 275 is replaced by glutamic acid, an amino acid with similar properties. This amino acid position is well conserved in available vertebrate species. In addition, this alteration is predicted to be tolerated by in silico analysis. Based on the available evidence, the clinical significance of this variant remains unclear.

Labcorp Genetics (formerly Invitae), Labcorp
Classification: Uncertain significance. Last evaluated: 2021-09-20. Review status: criteria provided, single submitter. Criteria: Invitae Variant Classification Sherloc (09022015). Collection method: clinical testing. Allele origin: germline.
Comment: This sequence change replaces glycine with glutamic acid at codon 275 of the CTNNA1 protein (p.Gly275Glu). The glycine residue is highly conserved and there is a moderate physicochemical difference between glycine and glutamic acid. This variant is present in population databases (rs781432848, ExAC 0.001%). This variant has not been reported in the literature in individuals affected with CTNNA1-related conditions. Algorithms developed to predict the effect of missense changes on protein structure and function are either unavailable or do not agree on the potential impact of this missense change (SIFT: "Deleterious"; PolyPhen-2: "Benign"; Align-GVGD: "Class C0"). In summary, the available evidence is currently insufficient to determine the role of this variant in disease. Therefore, it has been classified as a Variant of Uncertain Significance.